The following is an entry in ClinVar:

ClinVar aggregate classification (germline): Conflicting classifications of pathogenicity. Review status: criteria provided, conflicting classifications (1 of 4 stars). 8 submissions from 8 submitters: Uncertain significance (4); Likely benign (3). 1 of the submissions does not count toward it. Last evaluated 2026-02-01.

Conditions:
CDHR1-related disorder. Also called: CDHR1-related condition.
Inborn genetic diseases. Identifiers: MedGen C0950123, MeSH D030342.
Cone-rod dystrophy 15 (CORD15). Identifiers: MedGen C3150912, MONDO:0013348, OMIM 613660.

Allele frequency attached by ClinVar (database versions not stated): 1000 Genomes Project 0.00060; 1000 Genomes Project 30x 0.00094; ExAC 0.00102; gnomAD exomes 0.00111 and 0.00215; gnomAD 0.00118 and 0.00121; TOPMed 0.00127; ESP Exome Variant Server 0.00200.
gnomAD v4.1: 3,315 of 1,614,138 alleles (0.21%); highest among the groups gnomAD compares: Non-Finnish European, 0.26%; 4 homozygotes.

Submissions (8):

Labcorp Genetics (formerly Invitae), Labcorp
Classification: Likely benign. Last evaluated: 2026-02-01. Review status: criteria provided, single submitter. Criteria: Invitae Variant Classification Sherloc (09022015). Collection method: clinical testing. Allele origin: germline.

Blueprint Genetics
Classification: Likely benign. Last evaluated: 2024-11-20. Review status: criteria provided, single submitter. Criteria: ACMG Guidelines, 2015. Collection method: clinical testing. Allele origin: germline.

Ambry Genetics
Classification: Uncertain significance for Inborn genetic diseases. Last evaluated: 2021-11-09. Review status: criteria provided, single submitter. Criteria: Ambry Variant Classification Scheme 2023. Collection method: clinical testing. Allele origin: germline.

GeneDx
Classification: Likely benign. Last evaluated: 2019-05-29. Review status: criteria provided, single submitter. Criteria: GeneDx Variant Classification Process June 2021. Collection method: clinical testing. Allele origin: germline. Affected: yes.
Comment: See Variant Classification Assertion Criteria.

CeGaT Center for Human Genetics Tuebingen
Classification: Uncertain significance. Last evaluated: 2017-03-01. Review status: criteria provided, single submitter. Criteria: CeGaT Center For Human Genetics Tuebingen Variant Classification Criteria Version 2. Collection method: clinical testing. Allele origin: germline. Affected: yes. Observed: 2 variant alleles.

Eurofins Ntd Llc (ga)
Classification: Uncertain significance. Last evaluated: 2016-10-26. Review status: criteria provided, single submitter. Criteria: EGL Classification Definitions 2015. Collection method: clinical testing. Allele origin: germline. Observed: 1 variant allele, 1 heterozygote.

Mayo Clinic Laboratories, Mayo Clinic
Classification: Uncertain significance for Cone-rod dystrophy 15. Last evaluated: 2016-07-01. Review status: criteria provided, single submitter. Criteria: ACMG Guidelines, 2015. Collection method: clinical testing. Allele origin: paternal.

PreventionGenetics, part of Exact Sciences
Classification: Likely benign for CDHR1-related condition. Last evaluated: 2024-09-20. Review status: no assertion criteria provided. Collection method: clinical testing. Allele origin: germline. Not counted in ClinVar's aggregate classification.
Comment: This variant is classified as likely benign based on ACMG/AMP sequence variant interpretation guidelines (Richards et al. 2015 PMID: 25741868, with internal and published modifications).

NM_033100.4(CDHR1):c.1133G>A (p.Arg378Gln)

Gene: CDHR1 (cadherin related family member 1; plus strand). Cytogenetic location: 10q23.1.
Variant type: single nucleotide variant.
Coding change: c.1133G>A on transcript NM_033100.4 (MANE Select); coding-DNA position 1133, G replaced by A.
Protein change: p.Arg378Gln; replaces arginine 378 with glutamine.
Molecular consequence: missense variant.
Genome position (GRCh38, 1-based): chr10:84,208,343, G>A. VCF-style: chr10-84208343-G-A. GRCh37 (hg19) VCF-style: chr10-85968099-G-A.
Other names: c.1133G>A (NM_033100.2); c.1133G>A, p.Arg378Gln (NM_001171971.3); short protein forms R378Q.
Identifiers: ClinVar variation 301235 (VCV000301235.64), dbSNP rs140621272, ClinGen allele CA5579845.